The following is an entry in ClinVar:

NM_032119.4(ADGRV1):c.7133+3A>G

Gene: ADGRV1 (adhesion G protein-coupled receptor V1; plus strand). Cytogenetic location: 5q14.3.
Variant type: single nucleotide variant.
Coding change: c.7133+3A>G on transcript NM_032119.4 (MANE Select); 3 bases into the intron after coding-DNA position 7133, A replaced by G.
Molecular consequence: intron variant.
Genome position (GRCh38, 1-based): chr5:90,692,789, A>G. VCF-style: chr5-90692789-A-G. GRCh37 (hg19) VCF-style: chr5-89988606-A-G.
Identifiers: ClinVar variation 1315832 (VCV001315832.7), dbSNP rs911015463, ClinGen allele CA122797193.

ClinVar aggregate classification (germline): Conflicting classifications of pathogenicity. Review status: criteria provided, conflicting classifications (1 of 4 stars). 3 submissions from 3 submitters: Pathogenic (1); Uncertain significance (2). Last evaluated 2023-08-30.

Allele frequency attached by ClinVar (database versions not stated): gnomAD exomes 0.00001; TOPMed 0.00001.
gnomAD v4.1: 7 of 1,580,706 alleles (0.00044%); highest among the groups gnomAD compares: Non-Finnish European, 0.0006%; no homozygotes.

Submissions (3):

Labcorp Genetics (formerly Invitae), Labcorp
Classification: Pathogenic. Last evaluated: 2023-08-30. Review status: criteria provided, single submitter. Criteria: Invitae Variant Classification Sherloc (09022015). Collection method: clinical testing. Allele origin: germline.
Comment: For these reasons, this variant has been classified as Pathogenic. Variants that disrupt the consensus splice site are a relatively common cause of aberrant splicing (PMID: 17576681, 9536098). Algorithms developed to predict the effect of sequence changes on RNA splicing suggest that this variant may disrupt the consensus splice site. ClinVar contains an entry for this variant (Variation ID: 1315832). This variant has been observed in individual(s) with ADGRV1-related conditions (Invitae). In at least one individual the data is consistent with being in trans (on the opposite chromosome) from a pathogenic variant. This variant is not present in population databases (gnomAD no frequency). This sequence change falls in intron 32 of the ADGRV1 gene. It does not directly change the encoded amino acid sequence of the ADGRV1 protein. It affects a nucleotide within the consensus splice site.

Blueprint Genetics
Classification: Uncertain significance. Last evaluated: 2022-11-16. Review status: criteria provided, single submitter. Criteria: ACMG Guidelines, 2015. Collection method: clinical testing. Allele origin: germline.

GeneDx
Classification: Uncertain significance. Last evaluated: 2020-11-23. Review status: criteria provided, single submitter. Criteria: GeneDx Variant Classification Process June 2021. Collection method: clinical testing. Allele origin: germline. Affected: yes.
Comment: Not observed in large population cohorts (Lek et al., 2016); In silico analysis, which includes splice predictors and evolutionary conservation, supports a deleterious effect; Has not been previously published as pathogenic or benign to our knowledge

Literature cited by the submitters: PubMed 17576681 (cited by Labcorp Genetics (formerly Invitae), Labcorp); PubMed 9536098 (cited by Labcorp Genetics (formerly Invitae), Labcorp).